The following is an entry in ClinVar:

ClinVar aggregate classification (germline): Likely pathogenic (1 of 4 stars; one submission).

Submission:

Genetics Laboratory, UDIAT-Centre Diagnòstic, Hospital Universitari Parc Tauli
Classification: Likely pathogenic. Last evaluated: 2021-04-26. Review status: criteria provided, single submitter. Criteria: Parc Tauli Hospital Assertion Criteria 2021. Collection method: clinical testing. Allele origin: paternal. Inheritance: Autosomal dominant inheritance. Affected: yes. Observed: 1 heterozygote.
Comment: PM1_moderate;PM2_supporting;PP2_supporting;PP3_supporting

NM_001330260.2(SCN8A):c.4911T>G (p.Ile1637Met)

Gene: SCN8A (sodium voltage-gated channel alpha subunit 8; plus strand). Cytogenetic location: 12q13.13.
Variant type: single nucleotide variant.
Coding change: c.4911T>G on transcript NM_001330260.2 (MANE Select); coding-DNA position 4911, T replaced by G.
Protein change: p.Ile1637Met; replaces isoleucine 1637 with methionine.
Molecular consequence: missense variant.
Genome position (GRCh38, 1-based): chr12:51,806,397, T>G. VCF-style: chr12-51806397-T-G. GRCh37 (hg19) VCF-style: chr12-52200181-T-G.
Other names: c.4788T>G, p.Ile1596Met (NM_001177984.3, NM_001369788.1); c.4911T>G, p.Ile1637Met (NM_014191.4); short protein forms I1596M, I1637M.
Identifiers: ClinVar variation 1098394 (VCV001098394.2), dbSNP rs2138942487, ClinGen allele CA384880496.